The following is an entry in ClinVar:

NM_019888.3(MC3R):c.745G>A (p.Gly249Ser)

Gene: MC3R (melanocortin 3 receptor; plus strand). Cytogenetic location: 20q13.2.
Variant type: single nucleotide variant.
Coding change: c.745G>A on transcript NM_019888.3 (MANE Select); coding-DNA position 745, G replaced by A.
Protein change: p.Gly249Ser; replaces glycine 249 with serine.
Molecular consequence: missense variant.
Genome position (GRCh38, 1-based): chr20:56,249,588, G>A. VCF-style: chr20-56249588-G-A. GRCh37 (hg19) VCF-style: chr20-54824644-G-A.
Other names: short protein forms G249S.
Identifiers: ClinVar variation 4981436 (VCV004981436.1).
Genomic context (GRCh38, chr20:56,249,588, plus strand): 5'-GGGGTGGCCCCACAGCAACACTCATGCATGAAGGGGGCAGTCACCATCACCATTCTCCTG[G>A]GCGTGTTCATCTTCTGCTGGGCCCCCTTCTTCCTCCACCTGGTCCTCATCATCACCTGCC-3'
Protein context (NP_063941.3, residues 239-259): KGAVTITILL[Gly249Ser]VFIFCWAPFF

ClinVar aggregate classification (germline): Uncertain significance (1 of 4 stars; one submission).

Conditions:
MC3R-related disorder. Also called: MC3R-related condition.

gnomAD v4.1: 168 of 1,612,742 alleles (0.01%); highest among the groups gnomAD compares: Non-Finnish European, 0.012%; no homozygotes.

Submission:

PreventionGenetics, part of Exact Sciences
Classification: Uncertain significance for MC3R-related condition. Last evaluated: 2026-06-24. Review status: criteria provided, single submitter. Criteria: ACMG Guidelines, 2015. Collection method: clinical testing. Allele origin: germline.
Comment: The MC3R c.745G>A variant is predicted to result in the amino acid substitution p.Gly249Ser. To our knowledge, this variant has not been reported in individuals with MC3R-related phenotypes in the literature. This variant is reported in 0.013% of alleles in individuals of European (Non-Finnish) descent in gnomAD. At this time, the clinical significance of this variant is uncertain due to the absence of conclusive functional and genetic evidence.